The following is an entry in ClinVar:

NM_001039591.3(USP9X):c.4060A>T (p.Ile1354Phe)

Gene: USP9X (ubiquitin specific peptidase 9 X-linked; plus strand). Cytogenetic location: Xp11.4.
Variant type: single nucleotide variant.
Coding change: c.4060A>T on transcript NM_001039591.3 (MANE Select); coding-DNA position 4060, A replaced by T.
Protein change: p.Ile1354Phe; replaces isoleucine 1354 with phenylalanine.
Molecular consequence: missense variant.
Genome position (GRCh38, 1-based): chrX:41,196,333, A>T. VCF-style: chrX-41196333-A-T. GRCh37 (hg19) VCF-style: chrX-41055586-A-T.
Other names: c.4060A>T, p.Ile1354Phe (NM_001039590.3); c.4075A>T, p.Ile1359Phe (NM_001410748.1, NM_001410749.1); short protein forms I1354F, I1359F.
Identifiers: ClinVar variation 1708116 (VCV001708116.1), dbSNP rs2519305704, ClinGen allele CA412772332.

ClinVar aggregate classification (germline): Likely benign (1 of 4 stars; one submission).

Conditions:
Intellectual developmental disorder, X-linked 99. Also called: Intellectual disability, X-linked 99. Identifiers: Orphanet 777, MedGen C3806746, MONDO:0010487, OMIM 300919.

Submission:

Laboratory of Medical Genetics, National & Kapodistrian University of Athens
Classification: Likely benign for Intellectual developmental disorder, X-linked 99. Last evaluated: 2022-07-18. Review status: criteria provided, single submitter. Criteria: ACMG Guidelines, 2015. Collection method: clinical testing. Allele origin: paternal. Affected: yes.
Comment: PM2, PP3, BS2